The following is an entry in ClinVar:

NM_021098.3(CACNA1H):c.5621C>T (p.Ala1874Val)

Gene: CACNA1H (calcium voltage-gated channel subunit alpha1 H; plus strand). Cytogenetic location: 16p13.3.
Variant type: single nucleotide variant.
Coding change: c.5621C>T on transcript NM_021098.3 (MANE Select); coding-DNA position 5621, C replaced by T.
Protein change: p.Ala1874Val; replaces alanine 1874 with valine.
Molecular consequence: missense variant.
Genome position (GRCh38, 1-based): chr16:1,218,385, C>T. VCF-style: chr16-1218385-C-T. GRCh37 (hg19) VCF-style: chr16-1268385-C-T.
Other names: c.5603C>T, p.Ala1868Val (NM_001005407.2); short protein forms A1874V, A1868V.
Identifiers: ClinVar variation 460148 (VCV000460148.15), dbSNP rs374807892, ClinGen allele CA7802078.

ClinVar aggregate classification (germline): Conflicting classifications of pathogenicity. Review status: criteria provided, conflicting classifications (1 of 4 stars). 4 submissions from 4 submitters: Uncertain significance (1); Likely benign (2). 1 of the submissions does not count toward it. Last evaluated 2025-04-28.

Conditions:
Hyperaldosteronism, familial, type IV (HALD4). Also called: FH IV; ALDOSTERONISM, PRIMARY, AND HYPERTENSION. Identifiers: Orphanet 642671, MedGen C4310756, MONDO:0014875, OMIM 617027.
CACNA1H-related disorder.
Idiopathic generalized epilepsy. Also called: Generalised epilepsy; EIG. Identifiers: MedGen C0270850, MONDO:0005579, OMIM 600669.

Allele frequency attached by ClinVar (database versions not stated): ESP Exome Variant Server 0.00008; gnomAD exomes 0.00010; gnomAD 0.00011; TOPMed 0.00016.
gnomAD v4.1: 172 of 1,559,796 alleles (0.011%); highest among the groups gnomAD compares: African/African-American, 0.0027%; no homozygotes.

Submissions (4):

Labcorp Genetics (formerly Invitae), Labcorp
Classification: Likely benign for Idiopathic generalized epilepsy; Hyperaldosteronism, familial, type IV. Last evaluated: 2025-04-28. Review status: criteria provided, single submitter. Criteria: Invitae Variant Classification Sherloc (09022015). Collection method: clinical testing. Allele origin: germline.

Blueprint Genetics
Classification: Likely benign. Last evaluated: 2024-02-27. Review status: criteria provided, single submitter. Criteria: ACMG Guidelines, 2015. Collection method: clinical testing. Allele origin: germline.

Department of Pathology and Laboratory Medicine, Sinai Health System
Classification: Uncertain significance for hyperaldosteronism, familial, type IV. Last evaluated: 2023-05-09. Review status: criteria provided, single submitter. Criteria: ACMG Guidelines, 2015. Collection method: research. Allele origin: germline.

PreventionGenetics, part of Exact Sciences
Classification: Benign for CACNA1H-related condition. Last evaluated: 2021-07-23. Review status: no assertion criteria provided. Collection method: clinical testing. Allele origin: germline. Not counted in ClinVar's aggregate classification.
Comment: This variant is classified as benign based on ACMG/AMP sequence variant interpretation guidelines (Richards et al. 2015 PMID: 25741868, with internal and published modifications).